The following is an entry in ClinVar:

NM_000548.5(TSC2):c.1646A>C (p.Asp549Ala)

Gene: TSC2 (TSC complex subunit 2; plus strand). Cytogenetic location: 16p13.3.
Variant type: single nucleotide variant.
Coding change: c.1646A>C on transcript NM_000548.5 (MANE Select); coding-DNA position 1646, A replaced by C.
Protein change: p.Asp549Ala; replaces aspartic acid 549 with alanine.
Molecular consequence: missense variant.
Genome position (GRCh38, 1-based): chr16:2,065,565, A>C. VCF-style: chr16-2065565-A-C. GRCh37 (hg19) VCF-style: chr16-2115566-A-C.
Other names: c.1646A>C, p.Asp549Ala (NM_001077183.3, NM_001114382.3, NM_001363528.2 and 6 more transcripts); c.1535A>C, p.Asp512Ala (NM_001318827.2, NM_001406678.1, NM_001406670.1); c.1499A>C, p.Asp500Ala (NM_001318829.2, NM_001406676.1, NM_001406679.1 and 1 more transcripts); c.1046A>C, p.Asp349Ala (NM_001318831.2, NM_001406680.1, NM_001406682.1 and 6 more transcripts); c.1679A>C, p.Asp560Ala (NM_001318832.2); c.1589A>C, p.Asp530Ala (NM_001406677.1); c.1184A>C, p.Asp395Ala (NM_001406681.1); c.302A>C, p.Asp101Ala (NM_001406695.1, NM_001406696.1, NM_001406697.1 and 6 more transcripts); and 3 more; short protein forms D395A, D579A, D15A, D500A, D512A, D530A, D560A, D545A.
Identifiers: ClinVar variation 2096145 (VCV002096145.6), dbSNP rs1170792905, ClinGen allele CA394267927.

ClinVar aggregate classification (germline): Uncertain significance. Review status: criteria provided, multiple submitters, no conflicts (2 of 4 stars). 3 submissions from 3 submitters: Uncertain significance (3). Last evaluated 2025-06-30.

Conditions:
Hereditary cancer-predisposing syndrome. Also called: Tumor predisposition; Neoplastic Syndromes, Hereditary; Hereditary neoplastic syndrome; Hereditary Cancer Syndrome. Identifiers: Orphanet 140162, MedGen C0027672, MeSH D009386, MONDO:0015356.
Tuberous sclerosis syndrome (TSC). Also called: Tuberous sclerosis; Tuberous Sclerosis Complex. Identifiers: Orphanet 805, MedGen C0041341, MONDO:0001734.
Tuberous sclerosis 2 (TSC2). Identifiers: Orphanet 805, MedGen C1860707, MONDO:0013199, OMIM 613254.

Submissions (3):

Color Diagnostics, LLC DBA Color Health
Classification: Uncertain significance for Tuberous sclerosis syndrome. Last evaluated: 2025-06-30. Review status: criteria provided, single submitter. Criteria: ACMG Guidelines, 2015. Collection method: clinical testing. Allele origin: germline.
Comment: This missense variant replaces aspartic acid with alanine at codon 549 of the TSC2 protein. Computational prediction suggests that this variant may not impact protein structure and function. To our knowledge, functional studies have not been reported for this variant. This variant has not been reported in individuals affected with TSC2-related disorders in the literature. This variant has not been identified in the general population by the Genome Aggregation Database (gnomAD). The available evidence is insufficient to determine the role of this variant in disease conclusively. Therefore, this variant is classified as a Variant of Uncertain Significance.

Ambry Genetics
Classification: Uncertain significance for Hereditary cancer-predisposing syndrome. Last evaluated: 2023-12-14. Review status: criteria provided, single submitter. Criteria: Ambry Variant Classification Scheme 2023. Collection method: clinical testing. Allele origin: germline.
Comment: The p.D549A variant (also known as c.1646A>C), located in coding exon 15 of the TSC2 gene, results from an A to C substitution at nucleotide position 1646. The aspartic acid at codon 549 is replaced by alanine, an amino acid with dissimilar properties. This amino acid position is conserved. In addition, the in silico prediction for this alteration is inconclusive. Since supporting evidence is limited at this time, the clinical significance of this alteration remains unclear.

Labcorp Genetics (formerly Invitae), Labcorp
Classification: Uncertain significance for Tuberous sclerosis 2. Last evaluated: 2022-02-10. Review status: criteria provided, single submitter. Criteria: Invitae Variant Classification Sherloc (09022015). Collection method: clinical testing. Allele origin: germline.
Comment: In summary, the available evidence is currently insufficient to determine the role of this variant in disease. Therefore, it has been classified as a Variant of Uncertain Significance. Advanced modeling of protein sequence and biophysical properties (such as structural, functional, and spatial information, amino acid conservation, physicochemical variation, residue mobility, and thermodynamic stability) performed at Invitae indicates that this missense variant is not expected to disrupt TSC2 protein function. This variant has not been reported in the literature in individuals affected with TSC2-related conditions. This variant is not present in population databases (gnomAD no frequency). This sequence change replaces aspartic acid, which is acidic and polar, with alanine, which is neutral and non-polar, at codon 549 of the TSC2 protein (p.Asp549Ala).